The following is an entry in ClinVar:

ClinVar aggregate classification (germline): Pathogenic (1 of 4 stars; one submission).

Conditions:
Hereditary nonpolyposis colorectal neoplasms. Identifiers: MedGen C0009405, MeSH D003123.

Submission:

Labcorp Genetics (formerly Invitae), Labcorp
Classification: Pathogenic for Hereditary nonpolyposis colorectal neoplasms. Last evaluated: 2022-10-31. Review status: criteria provided, single submitter. Criteria: Invitae Variant Classification Sherloc (09022015). Collection method: clinical testing. Allele origin: germline.
Comment: This variant is a gross deletion of the genomic region encompassing exon(s) 1 of the MSH6 gene, which includes the initiator codon. This deletion extends beyond the assayed region for this gene and therefore may encompass additional genes. It is expected to result in an absent or disrupted protein product. Loss-of-function variants in MSH6 are known to be pathogenic (PMID: 18269114, 24362816). This variant has not been reported in the literature in individuals affected with MSH6-related conditions. For these reasons, this variant has been classified as Pathogenic.

Literature cited by the submitters: PubMed 18269114; PubMed 24362816.

NC_000002.11:g.(?_48010373)_(48010652_?)del

Gene: MSH6 (mutS homolog 6; plus strand). Cytogenetic location: 2p16.3.
Variant type: Deletion.
Identifiers: ClinVar variation 2422541 (VCV002422541.4).